The following is an entry in ClinVar:

NM_012193.4(FZD4):c.700A>G (p.Thr234Ala)

Genes: FZD4 (frizzled class receptor 4; minus strand), PRSS23 (serine protease 23; plus strand). Cytogenetic location: 11q14.2.
Variant type: single nucleotide variant.
Coding change: c.700A>G on transcript NM_012193.4 (MANE Select); coding-DNA position 700, A replaced by G.
Protein change: p.Thr234Ala; replaces threonine 234 with alanine.
Molecular consequence: missense variant. On other transcripts: non-coding transcript variant (2).
Genome position (GRCh38, 1-based): chr11:86,952,056, T>C on the plus strand (A>G on the coding strand, the complement: FZD4 is on the minus strand). VCF-style: chr11-86952056-T-C. GRCh37 (hg19) VCF-style: chr11-86663098-T-C.
Other names: short protein forms T234A.
Identifiers: ClinVar variation 867117 (VCV000867117.9), dbSNP rs1470464003, ClinGen allele CA382014805.

ClinVar aggregate classification (germline): Uncertain significance. Review status: criteria provided, multiple submitters, no conflicts (2 of 4 stars). 2 submissions from 2 submitters: Uncertain significance (2). Last evaluated 2024-10-06.

Allele frequency attached by ClinVar (database versions not stated): gnomAD exomes below 0.00001; gnomAD 0.00001; TOPMed 0.00001.
gnomAD v4.1: 3 of 1,613,932 alleles (0.00019%); highest among the groups gnomAD compares: African/African-American, 0.0013%; no homozygotes.

Submissions (2):

Labcorp Genetics (formerly Invitae), Labcorp
Classification: Uncertain significance. Last evaluated: 2024-10-06. Review status: criteria provided, single submitter. Criteria: Invitae Variant Classification Sherloc (09022015). Collection method: clinical testing. Allele origin: germline.
Comment: This sequence change replaces threonine, which is neutral and polar, with alanine, which is neutral and non-polar, at codon 234 of the FZD4 protein (p.Thr234Ala). This variant is present in population databases (no rsID available, gnomAD 0.0009%). This variant has not been reported in the literature in individuals affected with FZD4-related conditions. ClinVar contains an entry for this variant (Variation ID: 867117). Invitae Evidence Modeling of protein sequence and biophysical properties (such as structural, functional, and spatial information, amino acid conservation, physicochemical variation, residue mobility, and thermodynamic stability) has been performed for this missense variant. However, the output from this modeling did not meet the statistical confidence thresholds required to predict the impact of this variant on FZD4 protein function. In summary, the available evidence is currently insufficient to determine the role of this variant in disease. Therefore, it has been classified as a Variant of Uncertain Significance.

Blueprint Genetics
Classification: Uncertain significance. Last evaluated: 2021-11-02. Review status: criteria provided, single submitter. Criteria: ACMG Guidelines, 2015. Collection method: clinical testing. Allele origin: germline.